The following is an entry in ClinVar:

NM_182643.3(DLC1):c.3242C>A (p.Thr1081Lys)

Gene: DLC1 (DLC1 Rho GTPase activating protein; minus strand). Cytogenetic location: 8p22.
Variant type: single nucleotide variant.
Coding change: c.3242C>A on transcript NM_182643.3 (MANE Select); coding-DNA position 3242, C replaced by A.
Protein change: p.Thr1081Lys; replaces threonine 1081 with lysine.
Molecular consequence: missense variant.
Genome position (GRCh38, 1-based): chr8:13,095,171, G>T on the plus strand (C>A on the coding strand, the complement: DLC1 is on the minus strand). VCF-style: chr8-13095171-G-T. GRCh37 (hg19) VCF-style: chr8-12952680-G-T.
Other names: c.1709C>A, p.Thr570Lys (NM_001164271.2, NM_001348082.2, NM_001348083.1 and 6 more transcripts); c.2033C>A, p.Thr678Lys (NM_001316668.2, NM_001413129.1); c.3242C>A, p.Thr1081Lys (NM_001348081.2, NM_001413124.1); c.2024C>A, p.Thr675Lys (NM_001413130.1); c.1682C>A, p.Thr561Lys (NM_001413131.1, NM_001413137.1); c.2168C>A, p.Thr723Lys (NM_001413132.1); c.1931C>A, p.Thr644Lys (NM_001413135.1, NM_001413136.1, NM_001413139.1 and 1 more transcripts); c.2066C>A, p.Thr689Lys (NM_001413140.1); short protein forms T644K, T675K, T678K, T689K, T723K, T1081K, T561K, T570K.
Identifiers: ClinVar variation 4981391 (VCV004981391.1).

ClinVar aggregate classification (germline): Uncertain significance (1 of 4 stars; one submission).

Conditions:
DLC1-related disorder. Also called: DLC1-related condition.

Submission:

PreventionGenetics, part of Exact Sciences
Classification: Uncertain significance for DLC1-related condition. Last evaluated: 2024-12-19. Review status: criteria provided, single submitter. Criteria: ACMG Guidelines, 2015. Collection method: clinical testing. Allele origin: germline.
Comment: The DLC1 c.3242C>A variant is predicted to result in the amino acid substitution p.Thr1081Lys. To our knowledge, this variant has not been reported in the literature or in a large population database (gnomAD), indicating this variant is rare. At this time, the clinical significance of this variant is uncertain due to the absence of conclusive functional and genetic evidence.